The following is an entry in ClinVar:

ClinVar aggregate classification (germline): Conflicting classifications of pathogenicity. Review status: criteria provided, conflicting classifications (1 of 4 stars). 3 submissions from 3 submitters: Uncertain significance (1); Likely benign (2). Last evaluated 2024-09-23.

Conditions:
Long QT syndrome (LQTS). Identifiers: MedGen C0023976, MeSH D008133, MONDO:0002442. Disease mechanism: loss of function. Inheritance: Various modes of inheritance.
Cardiovascular phenotype. Identifiers: MedGen CN230736.

Submissions (3):

GeneDx
Classification: Uncertain significance. Last evaluated: 2024-09-23. Review status: criteria provided, single submitter. Criteria: GeneDx Variant Classification Process June 2021. Collection method: clinical testing. Allele origin: germline. Affected: yes.
Comment: Has not been previously published as pathogenic or benign to our knowledge; Not observed at significant frequency in large population cohorts (gnomAD); In silico analysis indicates that this variant does not alter splicing

Labcorp Genetics (formerly Invitae), Labcorp
Classification: Likely benign for Long QT syndrome. Last evaluated: 2024-08-14. Review status: criteria provided, single submitter. Criteria: Invitae Variant Classification Sherloc (09022015). Collection method: clinical testing. Allele origin: germline.

Ambry Genetics
Classification: Likely benign for Cardiovascular phenotype. Last evaluated: 2020-05-28. Review status: criteria provided, single submitter. Criteria: Ambry Variant Classification Scheme 2023. Collection method: clinical testing. Allele origin: germline.

NM_033337.3(CAV3):c.132G>A (p.Val44=)

Genes: CAV3 (caveolin 3; plus strand), OXTR (oxytocin receptor; minus strand). Cytogenetic location: 3p25.3.
Variant type: single nucleotide variant.
Coding change: c.132G>A on transcript NM_033337.3 (MANE Select); coding-DNA position 132, G replaced by A.
Protein change: p.Val44=; no amino-acid change (valine 44 retained).
Molecular consequence: synonymous variant.
Genome position (GRCh38, 1-based): chr3:8,745,543, G>A. VCF-style: chr3-8745543-G-A. GRCh37 (hg19) VCF-style: chr3-8787229-G-A.
Other names: c.132G>A, p.Val44= (NM_001234.5).
Identifiers: ClinVar variation 1606545 (VCV001606545.11), dbSNP rs372754279, ClinGen allele CA432525583.